The following is an entry in ClinVar:

ClinVar aggregate classification (germline): Benign/Likely benign. Review status: criteria provided, multiple submitters, no conflicts (2 of 4 stars). 4 submissions from 4 submitters: Benign (3); Likely benign (1). Last evaluated 2026-02-02.

Conditions:
Dilated cardiomyopathy 2B. Identifiers: Orphanet 154, MedGen C3553409, MONDO:0013848, OMIM 614672.

Allele frequency attached by ClinVar (database versions not stated): gnomAD 0.00656; TOPMed 0.00752; 1000 Genomes Project 0.00799; 1000 Genomes Project 30x 0.00828; gnomAD exomes 0.00971; ExAC 0.09091.
gnomAD v4.1: 1,587 of 1,211,400 alleles (0.13%); highest among the groups gnomAD compares: African/African-American, 2.3%; 19 homozygotes.

Submissions (4):

Labcorp Genetics (formerly Invitae), Labcorp
Classification: Benign for Dilated cardiomyopathy 2B. Last evaluated: 2026-02-02. Review status: criteria provided, single submitter. Criteria: Invitae Variant Classification Sherloc (09022015). Collection method: clinical testing. Allele origin: germline.

Blueprint Genetics
Classification: Likely benign. Last evaluated: 2024-11-06. Review status: criteria provided, single submitter. Criteria: ACMG Guidelines, 2015. Collection method: clinical testing. Allele origin: germline.

GeneDx
Classification: Benign. Last evaluated: 2014-05-21. Review status: criteria provided, single submitter. Criteria: GeneDx Variant Classification (06012015). Collection method: clinical testing. Allele origin: germline. Affected: yes.
Comment: This variant is considered likely benign or benign based on one or more of the following criteria: it is a conservative change, it occurs at a poorly conserved position in the protein, it is predicted to be benign by multiple in silico algorithms, and/or has population frequency not consistent with disease.

Breakthrough Genomics
Classification: Benign. Review status: criteria provided, single submitter. Criteria: ACMG Guidelines, 2015. Collection method: not provided. Allele origin: germline. Inheritance: Autosomal recessive inheritance. Affected: yes.

NM_021167.5(GATAD1):c.249+20C>G

Genes: GATAD1 (GATA zinc finger domain containing 1; plus strand), LOC129998793 (ATAC-STARR-seq lymphoblastoid silent region 18371; plus strand). Cytogenetic location: 7q21.2.
Variant type: single nucleotide variant.
Coding change: c.249+20C>G on transcript NM_021167.5 (MANE Select); 20 bases into the intron after coding-DNA position 249, C replaced by G.
Molecular consequence: intron variant.
Genome position (GRCh38, 1-based): chr7:92,447,998, C>G. VCF-style: chr7-92447998-C-G. GRCh37 (hg19) VCF-style: chr7-92077312-C-G.
Identifiers: ClinVar variation 137446 (VCV000137446.11), dbSNP rs10281809, ClinGen allele CA333072.